The following is an entry in ClinVar:

ClinVar aggregate classification (germline): Uncertain significance (1 of 4 stars; one submission).

Conditions:
Lower motor neuron syndrome with late-adult onset (SMAJ). Also called: Spinal muscular atrophy, Jokela type; Late-Onset Spinal Motor Neuronopathy (SMAJ). Identifiers: Orphanet 276435, MedGen C3554398, MONDO:0014025, OMIM 615048.
Frontotemporal dementia and/or amyotrophic lateral sclerosis 2. Also called: FTDALS2. Identifiers: Orphanet 275872, MedGen C4014648, MONDO:0014395, OMIM 615911.
Autosomal dominant mitochondrial myopathy with exercise intolerance (IMMD). Also called: Myopathy, isolated mitochondrial, autosomal dominant. Identifiers: Orphanet 457050, MedGen C4015513, MONDO:0014532, OMIM 616209.

Submission:

Labcorp Genetics (formerly Invitae), Labcorp
Classification: Uncertain significance for Lower motor neuron syndrome with late-adult onset; Frontotemporal dementia and/or amyotrophic lateral sclerosis 2; Autosomal dominant mitochondrial myopathy with exercise intolerance. Last evaluated: 2022-07-25. Review status: criteria provided, single submitter. Criteria: Invitae Variant Classification Sherloc (09022015). Collection method: clinical testing. Allele origin: germline.
Comment: In summary, the available evidence is currently insufficient to determine the role of this variant in disease. Therefore, it has been classified as a Variant of Uncertain Significance. Algorithms developed to predict the effect of missense changes on protein structure and function are either unavailable or do not agree on the potential impact of this missense change (SIFT: "Tolerated"; PolyPhen-2: "Not Available"; Align-GVGD: "Class C0"). ClinVar contains an entry for this variant (Variation ID: 1040911). This variant has not been reported in the literature in individuals affected with CHCHD10-related conditions. This variant is not present in population databases (gnomAD no frequency). This sequence change replaces proline, which is neutral and non-polar, with serine, which is neutral and polar, at codon 19 of the CHCHD10 protein (p.Pro19Ser).

NM_213720.3(CHCHD10):c.55C>T (p.Pro19Ser)

Gene: CHCHD10 (coiled-coil-helix-coiled-coil-helix domain containing 10; minus strand). Cytogenetic location: 22q11.23.
Variant type: single nucleotide variant.
Coding change: c.55C>T on transcript NM_213720.3 (MANE Select); coding-DNA position 55, C replaced by T.
Protein change: p.Pro19Ser; replaces proline 19 with serine.
Molecular consequence: missense variant.
Genome position (GRCh38, 1-based): chr22:23,767,580, G>A on the plus strand (C>T on the coding strand, the complement: CHCHD10 is on the minus strand). VCF-style: chr22-23767580-G-A. GRCh37 (hg19) VCF-style: chr22-24109767-G-A.
Other names: c.55C>T, p.Pro19Ser (NM_001301339.2); short protein forms P19S.
Identifiers: ClinVar variation 1040911 (VCV001040911.6), dbSNP rs1926950297, ClinGen allele CA410917011.